The following is an entry in ClinVar:

NM_000321.3(RB1):c.1236A>C (p.Lys412Asn)

Gene: RB1 (RB transcriptional corepressor 1; plus strand). Cytogenetic location: 13q14.2.
Variant type: single nucleotide variant.
Coding change: c.1236A>C on transcript NM_000321.3 (MANE Select); coding-DNA position 1236, A replaced by C.
Protein change: p.Lys412Asn; replaces lysine 412 with asparagine.
Molecular consequence: missense variant.
Genome position (GRCh38, 1-based): chr13:48,376,938, A>C. VCF-style: chr13-48376938-A-C. GRCh37 (hg19) VCF-style: chr13-48951074-A-C.
Other names: c.1236A>C, p.Lys412Asn (NM_001407165.1, NM_001407166.1); short protein forms K412N.
Identifiers: ClinVar variation 1722134 (VCV001722134.5), dbSNP rs2542198805, ClinGen allele CA388161975.
Genomic context (GRCh38, chr13:48,376,938, plus strand): 5'-CAGTATCCTCGACATTGATTTCTGTTTTTACCTCCTAAAGAACTGCACAGTGAATCCAAA[A>C]GAAAGTATACTGAAAAGAGTGAAGGATATAGGATACATCTTTAAAGAGAAATTTGCTAAA-3'
Protein context (NP_000312.2, residues 402-422): SYFNNCTVNP[Lys412Asn]ESILKRVKDI

ClinVar aggregate classification (germline): Uncertain significance (1 of 4 stars; one submission).

Conditions:
Retinoblastoma (RB1). Also called: RETINOBLASTOMA, SOMATIC. Identifiers: Orphanet 790, MedGen C0035335, MeSH D012175, MONDO:0008380, OMIM 180200, HP:0009919. Disease mechanism: loss of function. Inheritance: Both sporadic and heritable forms are tested..

Submission:

Labcorp Genetics (formerly Invitae), Labcorp
Classification: Uncertain significance for Retinoblastoma. Last evaluated: 2022-10-25. Review status: criteria provided, single submitter. Criteria: Invitae Variant Classification Sherloc (09022015). Collection method: clinical testing. Allele origin: germline.
Comment: This variant is not present in population databases (gnomAD no frequency). This variant has not been reported in the literature in individuals affected with RB1-related conditions. Advanced modeling of protein sequence and biophysical properties (such as structural, functional, and spatial information, amino acid conservation, physicochemical variation, residue mobility, and thermodynamic stability) performed at Invitae indicates that this missense variant is not expected to disrupt RB1 protein function. In summary, the available evidence is currently insufficient to determine the role of this variant in disease. Therefore, it has been classified as a Variant of Uncertain Significance. This sequence change replaces lysine, which is basic and polar, with asparagine, which is neutral and polar, at codon 412 of the RB1 protein (p.Lys412Asn).